The following is an entry in ClinVar:

ClinVar aggregate classification (germline): Benign (1 of 4 stars; one submission).

gnomAD v4.1: 121 of 152,346 alleles (0.079%); highest among the groups gnomAD compares: Non-Finnish European, 0.14%; no homozygotes.

Submission:

CeGaT Center for Human Genetics Tuebingen
Classification: Benign. Last evaluated: 2025-07-01. Review status: criteria provided, single submitter. Criteria: CeGaT Center For Human Genetics Tuebingen Variant Classification Criteria Version 2. Collection method: clinical testing. Allele origin: germline. Affected: yes. Observed: 6 variant alleles.
Comment: GATA2: BS1, BS2

NM_032638.5(GATA2):c.1143+242G>C

Gene: GATA2 (GATA binding protein 2; minus strand). Cytogenetic location: 3q21.3.
Variant type: single nucleotide variant.
Coding change: c.1143+242G>C on transcript NM_032638.5 (MANE Select); 242 bases into the intron after coding-DNA position 1143, G replaced by C.
Molecular consequence: intron variant.
Genome position (GRCh38, 1-based): chr3:128,481,577, C>G on the plus strand (G>C on the coding strand, the complement: GATA2 is on the minus strand). VCF-style: chr3-128481577-C-G. GRCh37 (hg19) VCF-style: chr3-128200420-C-G.
Other names: c.1101+242G>C (NM_001145662.1); c.1143+242G>C (NM_001145661.2).
Identifiers: ClinVar variation 2571184 (VCV002571184.27), dbSNP rs367659411, ClinGen allele CA83376424.